The following is an entry in ClinVar:

NM_182914.3(SYNE2):c.18911T>C (p.Ile6304Thr)

Gene: SYNE2 (spectrin repeat containing nuclear envelope protein 2; plus strand). Cytogenetic location: 14q23.2.
Variant type: single nucleotide variant.
Coding change: c.18911T>C on transcript NM_182914.3 (MANE Select); coding-DNA position 18911, T replaced by C.
Protein change: p.Ile6304Thr; replaces isoleucine 6304 with threonine.
Molecular consequence: missense variant.
Genome position (GRCh38, 1-based): chr14:64,212,860, T>C. VCF-style: chr14-64212860-T-C. GRCh37 (hg19) VCF-style: chr14-64679578-T-C.
Other names: c.18911T>C, p.Ile6304Thr (NM_015180.6); short protein forms I6304T.
Identifiers: ClinVar variation 2162168 (VCV002162168.5), dbSNP rs763597479, ClinGen allele CA7224262.

ClinVar aggregate classification (germline): Uncertain significance. Review status: criteria provided, multiple submitters, no conflicts (2 of 4 stars). 2 submissions from 2 submitters: Uncertain significance (2). Last evaluated 2022-09-15.

Conditions:
Emery-Dreifuss muscular dystrophy 5, autosomal dominant (EDMD5). Also called: EMERY-DREIFUSS MUSCULAR DYSTROPHY 5. Identifiers: Orphanet 261, MedGen C2751805, MONDO:0013072, OMIM 612999.

Allele frequency attached by ClinVar (database versions not stated): ExAC 0.00002; gnomAD exomes 0.00002.
gnomAD v4.1: 12 of 1,614,136 alleles (0.00074%); highest among the groups gnomAD compares: Non-Finnish European, 0.00034%; no homozygotes.

Submissions (2):

Labcorp Genetics (formerly Invitae), Labcorp
Classification: Uncertain significance for Emery-Dreifuss muscular dystrophy 5, autosomal dominant. Last evaluated: 2022-09-15. Review status: criteria provided, single submitter. Criteria: Invitae Variant Classification Sherloc (09022015). Collection method: clinical testing. Allele origin: germline.
Comment: This sequence change replaces isoleucine, which is neutral and non-polar, with threonine, which is neutral and polar, at codon 6304 of the SYNE2 protein (p.Ile6304Thr). This variant is present in population databases (rs763597479, gnomAD 0.002%). This variant has not been reported in the literature in individuals affected with SYNE2-related conditions. Algorithms developed to predict the effect of missense changes on protein structure and function are either unavailable or do not agree on the potential impact of this missense change (SIFT: "Tolerated"; PolyPhen-2: "Possibly Damaging"; Align-GVGD: "Class C0"). In summary, the available evidence is currently insufficient to determine the role of this variant in disease. Therefore, it has been classified as a Variant of Uncertain Significance.

Blueprint Genetics
Classification: Uncertain significance. Last evaluated: 2020-05-30. Review status: criteria provided, single submitter. Criteria: ACMG Guidelines, 2015. Collection method: clinical testing. Allele origin: germline.